The following is an entry in ClinVar:

NM_000268.4(NF2):c.1026del (p.Lys343fs)

Gene: NF2 (NF2, moesin-ezrin-radixin like (MERLIN) tumor suppressor; plus strand). Cytogenetic location: 22q12.2.
Variant type: Deletion.
Coding change: c.1026del on transcript NM_000268.4 (MANE Select); coding-DNA position 1026, one base deleted (G; older notation c.1026delG).
Protein change: p.Lys343fs; shifts the reading frame from lysine 343.
Molecular consequence: frameshift variant. On other transcripts: intron variant (1).
Genome position (GRCh38, 1-based): chr22:29,671,852, G deleted. VCF-style (leftmost placement, unchanged base first): chr22-29671851-AG-A. GRCh37 (hg19) VCF-style: chr22-30067840-AG-A.
Other names: c.891del, p.Lys298fs (NM_001407057.1, NM_001407059.1); c.903del, p.Lys302fs (NM_001407058.1, NM_001407054.1, NM_181829.3); c.1026del, p.Lys343fs (NM_001407060.1, NM_001407066.1, NM_016418.5 and 2 more transcripts); c.768del, p.Lys257fs (NM_001407062.1); c.777del, p.Lys260fs (NM_001407063.1, NM_001407064.1, NM_181830.3 and 1 more transcripts); c.492del, p.Lys165fs (NM_001407065.1); c.795del, p.Lys266fs (NM_001407067.1); c.912del, p.Lys305fs (NM_001407053.1, NM_001407056.1); and 2 more; short protein forms K257fs, K302fs, K305fs, K165fs, K266fs, K343fs, K260fs, K298fs.
Identifiers: ClinVar variation 2770213 (VCV002770213.3), dbSNP rs2518665323, ClinGen allele CA2697552671.

ClinVar aggregate classification (germline): Pathogenic (1 of 4 stars; one submission).

Conditions:
Neurofibromatosis, type 2 (SWNV). Also called: SCHWANNOMATOSIS, VESTIBULAR; BILATERAL ACOUSTIC NEUROFIBROMATOSIS; NF2-Related Schwannomatosis. Identifiers: Orphanet 637, MedGen C0027832, MONDO:0007039, OMIM 101000. Disease mechanism: loss of function.

Submission:

Labcorp Genetics (formerly Invitae), Labcorp
Classification: Pathogenic for Neurofibromatosis, type 2. Last evaluated: 2023-10-20. Review status: criteria provided, single submitter. Criteria: Invitae Variant Classification Sherloc (09022015). Collection method: clinical testing. Allele origin: germline.
Comment: This sequence change creates a premature translational stop signal (p.Lys343Serfs*3) in the NF2 gene. It is expected to result in an absent or disrupted protein product. Loss-of-function variants in NF2 are known to be pathogenic (PMID: 9643284, 16983642). This variant is not present in population databases (gnomAD no frequency). This variant has not been reported in the literature in individuals affected with NF2-related conditions. For these reasons, this variant has been classified as Pathogenic.

Literature cited by the submitters: PubMed 9643284; PubMed 16983642.